The following is an entry in ClinVar:

ClinVar aggregate classification (germline): Benign. Review status: reviewed by expert panel (3 of 4 stars). 5 submissions from 5 submitters: Benign (1). 4 of the submissions do not count toward it. Last evaluated 2023-02-20.

Conditions:
CDKL5 disorder. Identifiers: MedGen CN296942, MONDO:0100039.
Inborn genetic diseases. Identifiers: MedGen C0950123, MeSH D030342.
Developmental and epileptic encephalopathy, 2 (DEE2). Also called: INFANTILE SPASM SYNDROME, X-LINKED 2; CDKL5 deficiency disorder. Identifiers: Orphanet 1934, Orphanet 3451, Orphanet 505652, MedGen C4750718, MONDO:0010396, OMIM 300672.
Angelman syndrome-like. Identifiers: MedGen CN128785.
CDKL5-related disorder.

Allele frequency attached by ClinVar (database versions not stated): gnomAD exomes 0.00001; ExAC 0.00002; gnomAD 0.00006; TOPMed 0.00006; 1000 Genomes Project 30x 0.00021; 1000 Genomes Project 0.00026.

Submissions (5):

ClinGen Rett and Angelman-like Disorders Variant Curation Expert Panel
Classification: Benign for CDKL5 disorder. Last evaluated: 2023-02-20. Review status: reviewed by expert panel. Criteria: ClinGen RettAS ACMG Specifications V2. Collection method: curation. Allele origin: germline. Inheritance: X-linked inheritance.
Comment: The allele frequency of the p.Arg355Gln variant in CDKL5 is 0.011% in African sub population in gnomAD, which is high enough to be classified as likely benign based on thresholds defined by the ClinGen Rett/Angelman-like Expert Panel for Rett/AS-like conditions (BS1). Additionally, the p.Arg355Gln variant is observed in at least 2 unaffected individuals (internal database - GeneDx, internal database - Invitae) (BS2) and the variant is found in at least 2 patients with an alternate molecular basis of disease (internal database - GeneDx, internal database - Invitae) (BP5). In summary, the p.Arg355Gln variant in CDKL5 is classified as Benign for CDKL5-associated disorder based on the ACMG/AMP criteria (BS1, BS2, BP5).

Labcorp Genetics (formerly Invitae), Labcorp
Classification: Likely benign for Developmental and epileptic encephalopathy, 2; Angelman syndrome-like. Last evaluated: 2025-05-10. Review status: criteria provided, single submitter. Criteria: Invitae Variant Classification Sherloc (09022015). Collection method: clinical testing. Allele origin: germline. Not counted in ClinVar's aggregate classification.

Ambry Genetics
Classification: Likely benign for Inborn genetic diseases. Last evaluated: 2023-10-05. Review status: criteria provided, single submitter. Criteria: Ambry Variant Classification Scheme 2023. Collection method: clinical testing. Allele origin: germline. Not counted in ClinVar's aggregate classification.

GeneDx
Classification: Uncertain significance. Last evaluated: 2017-02-08. Review status: criteria provided, single submitter. Criteria: GeneDx Variant Classification (06012015). Collection method: clinical testing. Allele origin: germline. Affected: yes. Not counted in ClinVar's aggregate classification.
Comment: A variant of uncertain significance has been identified in the CDKL5 gene. The R355Q variant has not been published as a pathogenic variant, nor has it been reported as a benign variant to our knowledge. The R355Q variant is observed in 2/8,514 (0.02%) alleles from individuals of African background, including 1 hemizygous individual in the ExAC dataset (Lek et al., 2016; 1000 Genomes Consortium et al., 2015; Exome Variant Server). The R355Q variant is a semi-conservative amino acid substitution, which may impact secondary protein structure as these residues differ in some properties. This substitution occurs at a position that is conserved across species. However, in silico analysis is inconsistent in its predictions as to whether or not the variant is damaging to the protein structure/function. Therefore, based on the currently available information, it is unclear whether this variant is a pathogenic variant or a rare benign variant.

PreventionGenetics, part of Exact Sciences
Classification: Benign for CDKL5-related condition. Last evaluated: 2024-03-27. Review status: no assertion criteria provided. Collection method: clinical testing. Allele origin: germline. Not counted in ClinVar's aggregate classification.
Comment: This variant is classified as benign based on ACMG/AMP sequence variant interpretation guidelines (Richards et al. 2015 PMID: 25741868, with internal and published modifications).

NM_001323289.2(CDKL5):c.1064G>A (p.Arg355Gln)

Gene: CDKL5 (cyclin dependent kinase like 5; plus strand). Cytogenetic location: Xp22.13.
Variant type: single nucleotide variant.
Coding change: c.1064G>A on transcript NM_001323289.2 (MANE Select); coding-DNA position 1064, G replaced by A.
Protein change: p.Arg355Gln; replaces arginine 355 with glutamine.
Molecular consequence: missense variant.
Genome position (GRCh38, 1-based): chrX:18,603,988, G>A. VCF-style: chrX-18603988-G-A. GRCh37 (hg19) VCF-style: chrX-18622108-G-A.
Other names: NM_001323289.2(CDKL5):c.1064G>A; p.Arg355Gln; c.1064G>A, p.Arg355Gln (NM_001037343.2, NM_003159.3); short protein forms R355Q.
Identifiers: ClinVar variation 423478 (VCV000423478.13), dbSNP rs189400843, ClinGen allele CA10360343.